The following is an entry in ClinVar:

NM_052947.4(ALPK2):c.4564G>C (p.Gly1522Arg)

Genes: ALPK2 (alpha kinase 2; minus strand), LOC126862764 (BRD4-independent group 4 enhancer GRCh37_chr18:56202574-56203773; plus strand). Cytogenetic location: 18q21.31.
Variant type: single nucleotide variant.
Coding change: c.4564G>C on transcript NM_052947.4 (MANE Select); coding-DNA position 4564, G replaced by C.
Protein change: p.Gly1522Arg; replaces glycine 1522 with arginine.
Molecular consequence: missense variant.
Genome position (GRCh38, 1-based): chr18:58,535,623, C>G on the plus strand (G>C on the coding strand, the complement: ALPK2 is on the minus strand). VCF-style: chr18-58535623-C-G. GRCh37 (hg19) VCF-style: chr18-56202855-C-G.
Other names: short protein forms G1522R.
Identifiers: ClinVar variation 1741509 (VCV001741509.2), dbSNP rs1602205801, ClinGen allele CA402561369.

ClinVar aggregate classification (germline): Uncertain significance (1 of 4 stars; one submission).

Allele frequency attached by ClinVar (database versions not stated): gnomAD exomes below 0.00001.

Submission:

Ambry Genetics
Classification: Uncertain significance. Last evaluated: 2021-11-21. Review status: criteria provided, single submitter. Criteria: Ambry Variant Classification Scheme 2023. Collection method: clinical testing. Allele origin: germline.
Comment: The p.G1522R variant (also known as c.4564G>C), located in coding exon 4 of the ALPK2 gene, results from a G to C substitution at nucleotide position 4564. The glycine at codon 1522 is replaced by arginine, an amino acid with dissimilar properties. This amino acid position is conserved. In addition, this alteration is predicted to be tolerated by in silico analysis. Since supporting evidence is limited at this time, the clinical significance of this alteration remains unclear.